The following is an entry in ClinVar:

NM_001267550.2(TTN):c.106788A>T (p.Thr35596=)

Genes: TTN (titin; minus strand), TTN-AS1 (TTN antisense RNA 1; plus strand). Cytogenetic location: 2q31.2.
Variant type: single nucleotide variant.
Coding change: c.106788A>T on transcript NM_001267550.2 (MANE Select); coding-DNA position 106788, A replaced by T.
Protein change: p.Thr35596=; no amino-acid change (threonine 35596 retained).
Molecular consequence: synonymous variant.
Genome position (GRCh38, 1-based): chr2:178,528,963, T>A on the plus strand (A>T on the coding strand, the complement: TTN is on the minus strand). VCF-style: chr2-178528963-T-A. GRCh37 (hg19) VCF-style: chr2-179393690-T-A.
Other names: c.99084A>T, p.Thr33028= (NM_133378.4); c.101865A>T, p.Thr33955= (NM_001256850.1); c.79593A>T, p.Thr26531= (NM_003319.4); c.79968A>T, p.Thr26656= (NM_133432.3); c.80169A>T, p.Thr26723= (NM_133437.4).
Identifiers: ClinVar variation 47713 (VCV000047713.34), dbSNP rs369896045, ClinGen allele CA141757.
Genomic context (GRCh38, chr2:178,528,963, plus strand): 5'-CATCTGAGTAGAAAATGCTTTAATCTCAGCATGAGTTCTGACTTCTTCTGATGCCTGTGA[T>A]GTTTTAGTGATTTCCTCATGGACAATGGATTTTTCCAGGGAGGTTGCTGCTGATTTCTTG-3'
Protein context (NP_001254479.2, residues 35586-35606): KSIVHEEITK[Thr35596=]SQASEEVRTH

ClinVar aggregate classification (germline): Benign/Likely benign. Review status: criteria provided, multiple submitters, no conflicts (2 of 4 stars). 15 submissions from 12 submitters: Benign (6); Likely benign (6). 3 of the submissions do not count toward it. Last evaluated 2026-01-20.

Conditions:
TTN-related disorder. Also called: TTN-related condition; TTN-related disease; TTN-related disorders.
Cardiovascular phenotype. Identifiers: MedGen CN230736.
Autosomal recessive limb-girdle muscular dystrophy type 2J (LGMDR10). Also called: Limb-girdle muscular dystrophy, type 2J; MUSCULAR DYSTROPHY, LIMB-GIRDLE, AUTOSOMAL RECESSIVE 10. Identifiers: Orphanet 140922, MedGen C1837342, MONDO:0012127, OMIM 608807.
Dilated cardiomyopathy 1G (CMD1G). Identifiers: Orphanet 154, MedGen C1858763, MONDO:0011400, OMIM 604145.
Early-onset myopathy with fatal cardiomyopathy (CMYO5). Also called: Salih Myopathy; CONGENITAL MYOPATHY 5 WITH CARDIOMYOPATHY. Identifiers: Orphanet 289377, MedGen C2673677, MONDO:0012714, OMIM 611705. Disease mechanism: loss of function.
Myopathy, myofibrillar, 9, with early respiratory failure (MFM9). Also called: Hereditary myopathy with early respiratory failure; EDSTROM MYOPATHY; MYOPATHY, PROXIMAL, WITH EARLY RESPIRATORY MUSCLE INVOLVEMENT; Myopathy, distal, with early respiratory failure, autosomal dominant. Identifiers: Orphanet 178464, Orphanet 34521, MedGen C1863599, MONDO:0011362, OMIM 603689.
Tibial muscular dystrophy (TMD). Also called: UDD MYOPATHY; Udd Distal Myopathy – Tibial Muscular Dystrophy; Tibial muscular dystrophy, tardive. Identifiers: Orphanet 609, MedGen C1838244, MONDO:0010870, OMIM 600334.

Allele frequency attached by ClinVar (database versions not stated): TOPMed 0.00008; gnomAD 0.00010; 1000 Genomes Project 30x 0.00016; 1000 Genomes Project 0.00020; gnomAD exomes 0.00021; ExAC 0.00026.
gnomAD v4.1: 67 of 1,614,028 alleles (0.0042%); highest among the groups gnomAD compares: East Asian, 0.13%; no homozygotes.

Submissions (15):

Labcorp Genetics (formerly Invitae), Labcorp
Classification: Benign for Dilated cardiomyopathy 1G; Autosomal recessive limb-girdle muscular dystrophy type 2J. Last evaluated: 2026-01-20. Review status: criteria provided, single submitter. Criteria: Invitae Variant Classification Sherloc (09022015). Collection method: clinical testing. Allele origin: germline.

Molecular Diagnostic Laboratory for Inherited Cardiovascular Disease, Montreal Heart Institute
Classification: Likely benign. Last evaluated: 2025-04-09. Review status: criteria provided, single submitter. Criteria: ACMG Guidelines, 2015. Collection method: clinical testing. Allele origin: germline. Affected: no.
Comment: BS1;BP6;BP7

Blueprint Genetics
Classification: Likely benign. Last evaluated: 2024-08-30. Review status: criteria provided, single submitter. Criteria: ACMG Guidelines, 2015. Collection method: clinical testing. Allele origin: germline.

Women's Health and Genetics/Laboratory Corporation of America, LabCorp
Classification: Likely benign. Last evaluated: 2024-03-12. Review status: criteria provided, single submitter. Criteria: LabCorp Variant Classification Summary - May 2015. Collection method: clinical testing. Allele origin: germline.

Genome-Nilou Lab
Classification: Benign for Autosomal recessive limb-girdle muscular dystrophy type 2J. Last evaluated: 2021-09-10. Review status: criteria provided, single submitter. Criteria: ACMG Guidelines, 2015. Collection method: clinical testing. Allele origin: germline. Affected: no.

Genome-Nilou Lab
Classification: Benign for Myopathy, myofibrillar, 9, with early respiratory failure. Last evaluated: 2021-09-10. Review status: criteria provided, single submitter. Criteria: ACMG Guidelines, 2015. Collection method: clinical testing. Allele origin: germline. Affected: no.

Genome-Nilou Lab
Classification: Benign for Early-onset myopathy with fatal cardiomyopathy. Last evaluated: 2021-09-10. Review status: criteria provided, single submitter. Criteria: ACMG Guidelines, 2015. Collection method: clinical testing. Allele origin: germline. Affected: no.

Genome-Nilou Lab
Classification: Benign for Tibial muscular dystrophy. Last evaluated: 2021-09-10. Review status: criteria provided, single submitter. Criteria: ACMG Guidelines, 2015. Collection method: clinical testing. Allele origin: germline. Affected: no.

Ambry Genetics
Classification: Benign for Cardiovascular phenotype. Last evaluated: 2020-07-21. Review status: criteria provided, single submitter. Criteria: Ambry Variant Classification Scheme 2023. Collection method: clinical testing. Allele origin: germline.

GeneDx
Classification: Likely benign. Last evaluated: 2020-03-13. Review status: criteria provided, single submitter. Criteria: GeneDx Variant Classification Process June 2021. Collection method: clinical testing. Allele origin: germline. Affected: yes.

Eurofins Ntd Llc (ga)
Classification: Likely benign. Last evaluated: 2017-05-23. Review status: criteria provided, single submitter. Criteria: EGL Classification Definitions 2015. Collection method: clinical testing. Allele origin: germline. Observed: 1 variant allele, 1 heterozygote.

Laboratory for Molecular Medicine, Mass General Brigham Personalized Medicine
Classification: Likely benign. Last evaluated: 2012-04-05. Review status: criteria provided, single submitter. Criteria: LMM Criteria. Collection method: clinical testing. Allele origin: germline. Observed: 1 variant allele.
Comment: Thr33028Thr in exon 309 of TTN: This variant is not expected to have clinical si gnificance because it does not alter an amino acid residue and it is not located within the splice consensus sequence. Thr33028Thr in exon 309 of TTN (allele f requency = n/a)

PreventionGenetics, part of Exact Sciences
Classification: Likely benign for TTN-related condition. Last evaluated: 2024-04-18. Review status: no assertion criteria provided. Collection method: clinical testing. Allele origin: germline. Not counted in ClinVar's aggregate classification.
Comment: This variant is classified as likely benign based on ACMG/AMP sequence variant interpretation guidelines (Richards et al. 2015 PMID: 25741868, with internal and published modifications).

Clinical Genetics, Academic Medical Center
Classification: Benign. Review status: no assertion criteria provided. Collection method: clinical testing. Allele origin: germline. Affected: yes. Study: VKGL Data-share Consensus. Not counted in ClinVar's aggregate classification.

Joint Genome Diagnostic Labs from Nijmegen and Maastricht, Radboudumc and MUMC+
Classification: Likely benign. Review status: no assertion criteria provided. Collection method: clinical testing. Allele origin: germline. Affected: yes. Study: VKGL Data-share Consensus. Not counted in ClinVar's aggregate classification.